The following is an entry in ClinVar:

NM_014915.3(ANKRD26):c.1444A>G (p.Met482Val)

Gene: ANKRD26 (ankyrin repeat domain 26; minus strand). Cytogenetic location: 10p12.1.
Variant type: single nucleotide variant.
Coding change: c.1444A>G on transcript NM_014915.3 (MANE Select); coding-DNA position 1444, A replaced by G.
Protein change: p.Met482Val; replaces methionine 482 with valine.
Molecular consequence: missense variant.
Genome position (GRCh38, 1-based): chr10:27,061,162, T>C on the plus strand (A>G on the coding strand, the complement: ANKRD26 is on the minus strand). VCF-style: chr10-27061162-T-C. GRCh37 (hg19) VCF-style: chr10-27350091-T-C.
Other names: c.1444A>G, p.Met482Val (NM_001256053.2); short protein forms M482V.
Identifiers: ClinVar variation 2573893 (VCV002573893.5), dbSNP rs573226713, ClinGen allele CA5448553.

ClinVar aggregate classification (germline): Uncertain significance. Review status: criteria provided, multiple submitters, no conflicts (2 of 4 stars). 3 submissions from 3 submitters: Uncertain significance (3). Last evaluated 2025-12-09.

Conditions:
Inborn genetic diseases. Identifiers: MedGen C0950123, MeSH D030342.

Allele frequency attached by ClinVar (database versions not stated): gnomAD 0.00001; ExAC 0.00002; TOPMed 0.00005; gnomAD exomes 0.00008.
gnomAD v4.1: 114 of 1,610,884 alleles (0.0071%); highest among the groups gnomAD compares: Non-Finnish European, 0.0096%; no homozygotes.

Submissions (3):

Labcorp Genetics (formerly Invitae), Labcorp
Classification: Uncertain significance. Last evaluated: 2025-12-09. Review status: criteria provided, single submitter. Criteria: Invitae Variant Classification Sherloc (09022015). Collection method: clinical testing. Allele origin: germline.
Comment: This sequence change replaces methionine, which is neutral and non-polar, with valine, which is neutral and non-polar, at codon 482 of the ANKRD26 protein (p.Met482Val). This variant is present in population databases (rs573226713, gnomAD 0.008%). This variant has not been reported in the literature in individuals affected with ANKRD26-related conditions. ClinVar contains an entry for this variant (Variation ID: 2573893). An algorithm developed to predict the effect of missense changes on protein structure and function (PolyPhen-2) suggests that this variant is likely to be tolerated. In summary, the available evidence is currently insufficient to determine the role of this variant in disease. Therefore, it has been classified as a Variant of Uncertain Significance.

Ambry Genetics
Classification: Uncertain significance for Inborn genetic diseases. Last evaluated: 2024-10-02. Review status: criteria provided, single submitter. Criteria: Ambry Variant Classification Scheme 2023. Collection method: clinical testing. Allele origin: germline.
Comment: The p.M482V variant (also known as c.1444A>G), located in coding exon 13 of the ANKRD26 gene, results from an A to G substitution at nucleotide position 1444. The methionine at codon 482 is replaced by valine, an amino acid with highly similar properties. This amino acid position is conserved. In addition, this alteration is predicted to be tolerated by in silico analysis. Based on the available evidence, the clinical significance of this variant remains unclear.

GeneDx
Classification: Uncertain significance. Last evaluated: 2024-02-25. Review status: criteria provided, single submitter. Criteria: GeneDx Variant Classification Process June 2021. Collection method: clinical testing. Allele origin: germline.
Comment: In silico analysis supports that this missense variant does not alter protein structure/function; Has not been previously published as pathogenic or benign to our knowledge